The following is an entry in ClinVar:

NM_000069.3(CACNA1S):c.1204G>T (p.Ala402Ser)

Gene: CACNA1S (calcium voltage-gated channel subunit alpha1 S; minus strand). Cytogenetic location: 1q32.1.
Variant type: single nucleotide variant.
Coding change: c.1204G>T on transcript NM_000069.3 (MANE Select); coding-DNA position 1204, G replaced by T.
Protein change: p.Ala402Ser; replaces alanine 402 with serine.
Molecular consequence: missense variant.
Genome position (GRCh38, 1-based): chr1:201,084,978, C>A on the plus strand (G>T on the coding strand, the complement: CACNA1S is on the minus strand). VCF-style: chr1-201084978-C-A. GRCh37 (hg19) VCF-style: chr1-201054106-C-A.
Other names: c.1204G>T (NM_000069.2); short protein forms A402S.
Identifiers: ClinVar variation 1397126 (VCV001397126.13), dbSNP rs756022224, ClinGen allele CA078036.

ClinVar aggregate classification (germline): Conflicting classifications of pathogenicity. Review status: criteria provided, conflicting classifications (1 of 4 stars). 4 submissions from 4 submitters: Uncertain significance (3); Benign (1). Last evaluated 2025-02-16.

Conditions:
Hypokalemic periodic paralysis, type 1. Also called: HypoPP; Hypokalemic Periodic Paralysis Type 1 (AD). Identifiers: Orphanet 681, MedGen C3714580, MONDO:0042979, OMIM 170400.
Malignant hyperthermia, susceptibility to, 5 (MHS5). Also called: CACNA1S-Related Malignant Hyperthermia Susceptibility. Identifiers: Orphanet 423, MedGen C1866077, MONDO:0011163, OMIM 601887.
Thyrotoxic periodic paralysis, susceptibility to, 1 (TTPP1). Identifiers: Orphanet 79102, MedGen C2749982, MONDO:0008570, OMIM 188580.

Allele frequency attached by ClinVar (database versions not stated): gnomAD 0.00002; TOPMed 0.00002; ExAC 0.00004; gnomAD exomes 0.00004 and 0.00008.
gnomAD v4.1: 25 of 1,612,678 alleles (0.0016%); highest among the groups gnomAD compares: Admixed American, 0.042%; no homozygotes.

Submissions (4):

Labcorp Genetics (formerly Invitae), Labcorp
Classification: Benign for Hypokalemic periodic paralysis, type 1; Malignant hyperthermia, susceptibility to, 5. Last evaluated: 2025-02-16. Review status: criteria provided, single submitter. Criteria: Invitae Variant Classification Sherloc (09022015). Collection method: clinical testing. Allele origin: germline.

Color Diagnostics, LLC DBA Color Health
Classification: Uncertain significance for Malignant hyperthermia, susceptibility to, 5. Last evaluated: 2023-12-12. Review status: criteria provided, single submitter. Criteria: ACMG Guidelines, 2015. Collection method: clinical testing. Allele origin: germline.
Comment: This missense variant replaces alanine with serine at codon 402 of the CACNA1S protein. Computational prediction suggests that this variant may not impact protein structure and function. To our knowledge, functional studies have not been reported for this variant. This variant has not been reported in individuals affected with CACNA1S-related disorders in the literature. This variant has been identified in 22/282152 chromosomes in the general population by the Genome Aggregation Database (gnomAD). The available evidence is insufficient to determine the role of this variant in disease conclusively. Therefore, this variant is classified as a Variant of Uncertain Significance.

GeneDx
Classification: Uncertain significance. Last evaluated: 2023-07-05. Review status: criteria provided, single submitter. Criteria: GeneDx Variant Classification Process June 2021. Collection method: clinical testing. Allele origin: germline. Affected: yes.
Comment: In silico analysis supports that this missense variant does not alter protein structure/function; Has not been previously published as pathogenic or benign to our knowledge

Fulgent Genetics
Classification: Uncertain significance for Hypokalemic periodic paralysis, type 1; Thyrotoxic periodic paralysis, susceptibility to, 1; Malignant hyperthermia, susceptibility to, 5. Last evaluated: 2021-09-12. Review status: criteria provided, single submitter. Criteria: ACMG Guidelines, 2015. Collection method: clinical testing. Allele origin: unknown.